The following is an entry in ClinVar:

ClinVar aggregate classification (germline): Uncertain significance. Review status: criteria provided, multiple submitters, no conflicts (2 of 4 stars). 2 submissions from 2 submitters: Uncertain significance (2). Last evaluated 2022-02-18.

Conditions:
Hereditary cancer-predisposing syndrome. Also called: Hereditary neoplastic syndrome; Neoplastic Syndromes, Hereditary; Tumor predisposition; Hereditary Cancer Syndrome. Identifiers: Orphanet 140162, MedGen C0027672, MeSH D009386, MONDO:0015356.
Rhabdoid tumor predisposition syndrome 2 (RTPS2). Identifiers: Orphanet 231108, Orphanet 69077, MedGen C2750074, MONDO:0013224, OMIM 613325.

Allele frequency attached by ClinVar (database versions not stated): gnomAD exomes below 0.00001; ExAC 0.00001.
gnomAD v4.1: 3 of 1,613,912 alleles (0.00019%); highest among the groups gnomAD compares: Non-Finnish European, 0.00025%; no homozygotes.

Submissions (2):

Ambry Genetics
Classification: Uncertain significance for Hereditary cancer-predisposing syndrome. Last evaluated: 2022-02-18. Review status: criteria provided, single submitter. Criteria: Ambry Variant Classification Scheme 2023. Collection method: clinical testing. Allele origin: germline.
Comment: The p.S1618C variant (also known as c.4853C>G), located in coding exon 33 of the SMARCA4 gene, results from a C to G substitution at nucleotide position 4853. The serine at codon 1618 is replaced by cysteine, an amino acid with dissimilar properties. This amino acid position is highly conserved in available vertebrate species. In addition, the in silico prediction for this alteration is inconclusive. Missense and in-frame variants in SMARCA4 are known to cause neurodevelopmental disorders; however, such associations with rhabdoid tumor predisposition syndrome including small cell carcinoma of the ovary-hypercalcemic type (SCCOHT) are exceedingly rare (Kosho T et al. Am J Med Genet C Semin Med Genet. 2014 Sep;166C(3):262-75; Jelinic P et al. Nat Genet. 2014 May;46(5):424-6). Based on the supporting evidence, the association of this alteration with Coffin-Siris syndrome is unknown; however, the association of this alteration with rhabdoid tumor predisposition syndrome is unlikely.

Labcorp Genetics (formerly Invitae), Labcorp
Classification: Uncertain significance for Rhabdoid tumor predisposition syndrome 2. Last evaluated: 2019-02-28. Review status: criteria provided, single submitter. Criteria: Invitae Variant Classification Sherloc (09022015). Collection method: clinical testing. Allele origin: germline.
Comment: In summary, the available evidence is currently insufficient to determine the role of this variant in disease. Therefore, it has been classified as a Variant of Uncertain Significance. This sequence change replaces serine with cysteine at codon 1618 of the SMARCA4 protein (p.Ser1618Cys). The serine residue is highly conserved and there is a moderate physicochemical difference between serine and cysteine. This variant is present in population databases (rs773055372, ExAC 0.002%). This variant has not been reported in the literature in individuals with SMARCA4-related conditions. Algorithms developed to predict the effect of missense changes on protein structure and function are either unavailable or do not agree on the potential impact of this missense change (SIFT: "Deleterious"; PolyPhen-2: "Benign"; Align-GVGD: "Class C0").

NM_003072.5(SMARCA4):c.4757C>G (p.Ser1586Cys)

Gene: SMARCA4 (SWI/SNF related BAF chromatin remodeling complex subunit ATPase 4; plus strand). Cytogenetic location: 19p13.2.
Variant type: single nucleotide variant.
Coding change: c.4757C>G on transcript NM_003072.5 (MANE Select); coding-DNA position 4757, C replaced by G.
Protein change: p.Ser1586Cys; replaces serine 1586 with cysteine.
Molecular consequence: missense variant. On other transcripts: non-coding transcript variant (1).
Genome position (GRCh38, 1-based): chr19:11,059,874, C>G. VCF-style: chr19-11059874-C-G. GRCh37 (hg19) VCF-style: chr19-11170550-C-G.
Other names: c.4757C>G, p.Ser1586Cys (NM_001128844.3); c.4667C>G, p.Ser1556Cys (NM_001128845.2); c.4664C>G, p.Ser1555Cys (NM_001128846.2); c.4658C>G, p.Ser1553Cys (NM_001128847.4, NM_001374457.1); c.4655C>G, p.Ser1552Cys (NM_001128848.2); c.4853C>G, p.Ser1618Cys (NM_001128849.3); short protein forms S1553C, S1555C, S1618C, S1552C, S1586C, S1556C.
Identifiers: ClinVar variation 835344 (VCV000835344.11), dbSNP rs773055372, ClinGen allele CA9204837.